The following is an entry in ClinVar:

NM_022168.4(IFIH1):c.1431_1439del (p.Val478_Pro480del)

Gene: IFIH1 (interferon induced with helicase C domain 1; minus strand). Cytogenetic location: 2q24.2.
Variant type: Deletion.
Coding change: c.1431_1439del on transcript NM_022168.4 (MANE Select); coding-DNA positions 1431 to 1439, 9 bases deleted (AGTGATTCC; older notation c.1431_1439delAGTGATTCC).
Protein change: p.Val478_Pro480del.
Molecular consequence: inframe deletion.
Genome position (GRCh38, 1-based): chr2:162,281,413-162,281,421, GGAATCACT deleted on the plus strand (AGTGATTCC on the coding strand, the reverse complement: IFIH1 is on the minus strand); deleting any 9 consecutive bases within chr2:162,281,413-162,281,423 gives the same sequence; the c. name uses the placement nearest the transcript's 3' end. VCF-style (leftmost placement, unchanged base first): chr2-162281412-GGGAATCACT-G. GRCh37 (hg19) VCF-style: chr2-163137922-GGGAATCACT-G.
Identifiers: ClinVar variation 2926335 (VCV002926335.3), dbSNP rs769826671, ClinGen allele CA1934529.

ClinVar aggregate classification (germline): Uncertain significance (1 of 4 stars; one submission).

Conditions:
Aicardi-Goutieres syndrome 7 (AGS7). Identifiers: Orphanet 51, MedGen C3888244, MONDO:0014367, OMIM 615846.
Singleton-Merten syndrome 1 (SGMRT1). Also called: Widened medullary cavities of bone, aortic calcification, abnormal dentition, and muscular weakness; Syndrome of widened medullary cavities of the metacarpals and phalanges, aortic calcification and abnormal dentition. Identifiers: Orphanet 85191, MedGen C4225427, MONDO:0024535, OMIM 182250.

Submission:

Labcorp Genetics (formerly Invitae), Labcorp
Classification: Uncertain significance for Aicardi-Goutieres syndrome 7; Singleton-Merten syndrome 1. Last evaluated: 2024-03-18. Review status: criteria provided, single submitter. Criteria: Invitae Variant Classification Sherloc (09022015). Collection method: clinical testing. Allele origin: germline.
Comment: This variant, c.1431_1439del, results in the deletion of 3 amino acid(s) of the IFIH1 protein (p.Val478_Pro480del), but otherwise preserves the integrity of the reading frame. This variant is present in population databases (rs769826671, gnomAD 0.002%). This variant has not been reported in the literature in individuals affected with IFIH1-related conditions. In summary, the available evidence is currently insufficient to determine the role of this variant in disease. Therefore, it has been classified as a Variant of Uncertain Significance.